The following is an entry in ClinVar:

ClinVar aggregate classification (germline): Uncertain significance. Review status: criteria provided, multiple submitters, no conflicts (2 of 4 stars). 2 submissions from 2 submitters: Uncertain significance (2). Last evaluated 2024-09-19.

Conditions:
Hereditary cancer-predisposing syndrome. Also called: Hereditary Cancer Syndrome; Neoplastic Syndromes, Hereditary; Tumor predisposition; Hereditary neoplastic syndrome. Identifiers: Orphanet 140162, MedGen C0027672, MeSH D009386, MONDO:0015356.
Mitochondrial complex II deficiency, nuclear type 1. Also called: SUCCINATE CoQ REDUCTASE DEFICIENCY. Identifiers: Orphanet 3208, MedGen C5700310, MONDO:0100294, OMIM 252011.
Pheochromocytoma/paraganglioma syndrome 5. Also called: Paragangliomas 5; SDHA-Related Hereditary Paraganglioma-Pheochromocytoma Syndrome. Identifiers: Orphanet 29072, MedGen C3279992, MONDO:0013602, OMIM 614165.

Allele frequency attached by ClinVar (database versions not stated): gnomAD exomes below 0.00001.
gnomAD v4.1: 4 of 1,611,992 alleles (0.00025%); highest among the groups gnomAD compares: Non-Finnish European, 0.00034%; no homozygotes.

Submissions (2):

Ambry Genetics
Classification: Uncertain significance for Hereditary cancer-predisposing syndrome. Last evaluated: 2024-09-19. Review status: criteria provided, single submitter. Criteria: Ambry Variant Classification Scheme 2023. Collection method: clinical testing. Allele origin: germline.
Comment: The p.H548R variant (also known as c.1643A>G), located in coding exon 12 of the SDHA gene, results from an A to G substitution at nucleotide position 1643. The histidine at codon 548 is replaced by arginine, an amino acid with highly similar properties. This amino acid position is not well conserved in available vertebrate species. In addition, this alteration is predicted to be tolerated by in silico analysis. Based on the available evidence, the clinical significance of this variant remains unclear.

Labcorp Genetics (formerly Invitae), Labcorp
Classification: Uncertain significance for Pheochromocytoma/paraganglioma syndrome 5; Mitochondrial complex II deficiency, nuclear type 1. Last evaluated: 2022-10-07. Review status: criteria provided, single submitter. Criteria: Invitae Variant Classification Sherloc (09022015). Collection method: clinical testing. Allele origin: germline.
Comment: This sequence change replaces histidine, which is basic and polar, with arginine, which is basic and polar, at codon 548 of the SDHA protein (p.His548Arg). This variant is not present in population databases (gnomAD no frequency). This variant has not been reported in the literature in individuals affected with SDHA-related conditions. Advanced modeling of protein sequence and biophysical properties (such as structural, functional, and spatial information, amino acid conservation, physicochemical variation, residue mobility, and thermodynamic stability) performed at Invitae indicates that this missense variant is not expected to disrupt SDHA protein function. In summary, the available evidence is currently insufficient to determine the role of this variant in disease. Therefore, it has been classified as a Variant of Uncertain Significance.

NM_004168.4(SDHA):c.1643A>G (p.His548Arg)

Gene: SDHA (succinate dehydrogenase complex flavoprotein subunit A; plus strand). Cytogenetic location: 5p15.33.
Variant type: single nucleotide variant.
Coding change: c.1643A>G on transcript NM_004168.4 (MANE Select); coding-DNA position 1643, A replaced by G.
Protein change: p.His548Arg; replaces histidine 548 with arginine.
Molecular consequence: missense variant. On other transcripts: intron variant (1).
Genome position (GRCh38, 1-based): chr5:251,083, A>G. VCF-style: chr5-251083-A-G. GRCh37 (hg19) VCF-style: chr5-251198-A-G.
Other names: c.1499A>G, p.His500Arg (NM_001294332.2); c.1552-3310A>G (NM_001330758.2); c.1643A>G (NM_004168.2); short protein forms H548R, H500R.
Identifiers: ClinVar variation 2184532 (VCV002184532.5), dbSNP rs2477455359, ClinGen allele CA358998832.